The following is an entry in ClinVar:

ClinVar aggregate classification (germline): Uncertain significance. Review status: criteria provided, multiple submitters, no conflicts (2 of 4 stars). 2 submissions from 2 submitters: Uncertain significance (2). Last evaluated 2025-01-03.

Conditions:
Inborn genetic diseases. Identifiers: MedGen C0950123, MeSH D030342.

gnomAD v4.1: 3 of 1,614,130 alleles (0.00019%); highest among the groups gnomAD compares: African/African-American, 0.004%; no homozygotes.

Submissions (2):

Ambry Genetics
Classification: Uncertain significance for Inborn genetic diseases. Last evaluated: 2025-01-03. Review status: criteria provided, single submitter. Criteria: Ambry Variant Classification Scheme 2023. Collection method: clinical testing. Allele origin: germline.
Comment: The p.D83V variant (also known as c.248A>T), located in coding exon 3 of the ETV6 gene, results from an A to T substitution at nucleotide position 248. The aspartic acid at codon 83 is replaced by valine, an amino acid with highly dissimilar properties. This amino acid position is conserved. In addition, the in silico prediction for this alteration is inconclusive. Based on the available evidence, the clinical significance of this variant remains unclear.

GeneDx
Classification: Uncertain significance. Last evaluated: 2024-08-07. Review status: criteria provided, single submitter. Criteria: GeneDx Variant Classification Process June 2021. Collection method: clinical testing. Allele origin: germline. Affected: yes.
Comment: Not observed at significant frequency in large population cohorts (gnomAD); In silico analysis supports that this missense variant has a deleterious effect on protein structure/function; Has not been previously published as pathogenic or benign to our knowledge; This variant is associated with the following publications: (PMID: 28555414, 28637624)

NM_001987.5(ETV6):c.248A>T (p.Asp83Val)

Genes: ETV6 (ETS variant transcription factor 6; plus strand), LOC126861451 (BRD4-independent group 4 enhancer GRCh37_chr12:11991350-11992549; plus strand). Cytogenetic location: 12p13.2.
Variant type: single nucleotide variant.
Coding change: c.248A>T on transcript NM_001987.5 (MANE Select); coding-DNA position 248, A replaced by T.
Protein change: p.Asp83Val; replaces aspartic acid 83 with valine.
Molecular consequence: missense variant. On other transcripts: 5 prime UTR variant (1).
Genome position (GRCh38, 1-based): chr12:11,839,224, A>T. VCF-style: chr12-11839224-A-T. GRCh37 (hg19) VCF-style: chr12-11992158-A-T.
Other names: c.245A>T, p.Asp82Val (NM_001413913.1); c.221A>T, p.Asp74Val (NM_001413914.1); c.-17A>T (NM_001413915.1); c.248A>T, p.Asp83Val (NM_001413916.1, NM_001413917.1, NM_001413918.1); short protein forms D74V, D82V, D83V.
Identifiers: ClinVar variation 3603259 (VCV003603259.2).